The following is an entry in ClinVar:

ClinVar aggregate classification (germline): Benign/Likely benign. Review status: criteria provided, multiple submitters, no conflicts (2 of 4 stars). 6 submissions from 6 submitters: Benign (1); Likely benign (4). 1 of the submissions does not count toward it. Last evaluated 2025-12-30.

Conditions:
SMAD4-related disorder. Also called: SMAD4-related condition; SMAD4-Related disorders.
Hereditary cancer-predisposing syndrome. Also called: Neoplastic Syndromes, Hereditary; Hereditary Cancer Syndrome; Hereditary neoplastic syndrome; Tumor predisposition. Identifiers: Orphanet 140162, MedGen C0027672, MeSH D009386, MONDO:0015356.
Familial thoracic aortic aneurysm and aortic dissection (TAAD). Also called: Thoracic aortic aneurysms and dissections. Identifiers: Orphanet 91387, MedGen C4707243, MONDO:0019625.
Juvenile polyposis syndrome (JPS). Identifiers: Orphanet 2929, MedGen C0345893, MONDO:0017380, OMIM 174900.
Juvenile polyposis/hereditary hemorrhagic telangiectasia syndrome (JPHT). Also called: POLYPOSIS, GENERALIZED JUVENILE, WITH PULMONARY ARTERIOVENOUS MALFORMATION; TELANGIECTASIA, HEREDITARY HEMORRHAGIC, WITH JUVENILE POLYPOSIS COLI; Juvenile Polyposis Syndrome / Hereditary Hemorrhagic Telangiectasia (JPS/HHT); JP/HHT SYNDROME; JUVENILE POLYPOSIS WITH HEREDITARY HEMORRHAGIC TELANGIECTASIA. Identifiers: Orphanet 2929, MedGen C1832942, MONDO:0008278, OMIM 175050.

Allele frequency attached by ClinVar (database versions not stated): gnomAD exomes 0.00002 and 0.00001; TOPMed below 0.00001.

Submissions (6):

Labcorp Genetics (formerly Invitae), Labcorp
Classification: Likely benign for Juvenile polyposis syndrome. Last evaluated: 2025-12-30. Review status: criteria provided, single submitter. Criteria: Invitae Variant Classification Sherloc (09022015). Collection method: clinical testing. Allele origin: germline.

Myriad Genetics, Inc.
Classification: Benign for Juvenile polyposis/hereditary hemorrhagic telangiectasia syndrome. Last evaluated: 2025-03-18. Review status: criteria provided, single submitter. Criteria: Myriad Autosomal Dominant, Autosomal Recessive and X-Linked Classification Criteria (2023). Collection method: clinical testing. Allele origin: unknown.
Comment: This variant is considered benign. This variant is a silent/synonymous amino acid change, and it is not expected to impact splicing.

GeneDx
Classification: Likely benign. Last evaluated: 2018-08-01. Review status: criteria provided, single submitter. Criteria: GeneDx Variant Classification Process June 2021. Collection method: clinical testing. Allele origin: germline. Affected: yes.
Comment: This variant is associated with the following publications: (PMID: 12592392)

Color Diagnostics, LLC DBA Color Health
Classification: Likely benign for Hereditary cancer-predisposing syndrome. Last evaluated: 2017-08-14. Review status: criteria provided, single submitter. Criteria: ACMG Guidelines, 2015. Collection method: clinical testing. Allele origin: germline.

Ambry Genetics
Classification: Likely benign for Hereditary cancer-predisposing syndrome; Familial thoracic aortic aneurysm and aortic dissection. Last evaluated: 2017-05-30. Review status: criteria provided, single submitter. Criteria: Ambry Variant Classification Scheme 2023. Collection method: clinical testing. Allele origin: germline.

PreventionGenetics, part of Exact Sciences
Classification: Likely benign for SMAD4-related condition. Last evaluated: 2022-01-06. Review status: no assertion criteria provided. Collection method: clinical testing. Allele origin: germline. Not counted in ClinVar's aggregate classification.
Comment: This variant is classified as likely benign based on ACMG/AMP sequence variant interpretation guidelines (Richards et al. 2015 PMID: 25741868, with internal and published modifications).

NM_005359.6(SMAD4):c.261G>A (p.Arg87=)

Gene: SMAD4 (SMAD family member 4; plus strand). Cytogenetic location: 18q21.2.
Variant type: single nucleotide variant.
Coding change: c.261G>A on transcript NM_005359.6 (MANE Select); coding-DNA position 261, G replaced by A.
Protein change: p.Arg87=; no amino-acid change (arginine 87 retained).
Molecular consequence: synonymous variant.
Genome position (GRCh38, 1-based): chr18:51,048,697, G>A. VCF-style: chr18-51048697-G-A. GRCh37 (hg19) VCF-style: chr18-48575067-G-A.
Identifiers: ClinVar variation 380485 (VCV000380485.21), dbSNP rs1057520857, ClinGen allele CA16608756.